The following is an entry in ClinVar:

NM_022051.3(EGLN1):c.923C>T (p.Thr308Met)

Gene: EGLN1 (egl-9 family hypoxia inducible factor 1; minus strand). Cytogenetic location: 1q42.2.
Variant type: single nucleotide variant.
Coding change: c.923C>T on transcript NM_022051.3 (MANE Select); coding-DNA position 923, C replaced by T.
Protein change: p.Thr308Met; replaces threonine 308 with methionine.
Molecular consequence: missense variant.
Genome position (GRCh38, 1-based): chr1:231,374,068, G>A on the plus strand (C>T on the coding strand, the complement: EGLN1 is on the minus strand). VCF-style: chr1-231374068-G-A. GRCh37 (hg19) VCF-style: chr1-231509814-G-A.
Other names: c.923C>T, p.Thr308Met (NM_001377260.1, NM_001377261.1); short protein forms T308M.
Identifiers: ClinVar variation 1766292 (VCV001766292.9), dbSNP rs866641142, ClinGen allele CA38963902.

ClinVar aggregate classification (germline): Uncertain significance. Review status: criteria provided, multiple submitters, no conflicts (2 of 4 stars). 2 submissions from 2 submitters: Uncertain significance (2). Last evaluated 2025-07-17.

Conditions:
Erythrocytosis, familial, 3 (ECYT3). Identifiers: Orphanet 247511, MedGen C1853286, MONDO:0012353, OMIM 609820.

Allele frequency attached by ClinVar (database versions not stated): TOPMed below 0.00001; gnomAD exomes 0.00001.
gnomAD v4.1: 10 of 1,613,178 alleles (0.00062%); highest among the groups gnomAD compares: South Asian, 0.0033%; no homozygotes.

Submissions (2):

Ambry Genetics
Classification: Uncertain significance. Last evaluated: 2025-07-17. Review status: criteria provided, single submitter. Criteria: Ambry Variant Classification Scheme 2023. Collection method: clinical testing. Allele origin: germline.
Comment: The p.T308M variant (also known as c.923C>T), located in coding exon 2 of the EGLN1 gene, results from a C to T substitution at nucleotide position 923. The threonine at codon 308 is replaced by methionine, an amino acid with similar properties. This amino acid position is well conserved in available vertebrate species. In addition, the in silico prediction for this alteration is inconclusive. Since supporting evidence is limited at this time, the clinical significance of this alteration remains unclear.

Labcorp Genetics (formerly Invitae), Labcorp
Classification: Uncertain significance for Erythrocytosis, familial, 3. Last evaluated: 2023-11-05. Review status: criteria provided, single submitter. Criteria: Invitae Variant Classification Sherloc (09022015). Collection method: clinical testing. Allele origin: germline.
Comment: This sequence change replaces threonine, which is neutral and polar, with methionine, which is neutral and non-polar, at codon 308 of the EGLN1 protein (p.Thr308Met). This variant is present in population databases (no rsID available, gnomAD 0.003%). This variant has not been reported in the literature in individuals affected with EGLN1-related conditions. ClinVar contains an entry for this variant (Variation ID: 1766292). An algorithm developed to predict the effect of missense changes on protein structure and function (PolyPhen-2) suggests that this variant is likely to be disruptive. In summary, the available evidence is currently insufficient to determine the role of this variant in disease. Therefore, it has been classified as a Variant of Uncertain Significance.